The following is an entry in ClinVar:

ClinVar aggregate classification (germline): Uncertain significance (1 of 4 stars; one submission).

Conditions:
Catecholaminergic polymorphic ventricular tachycardia (CVPT). Also called: Catecholamine-induced polymorphic ventricular tachycardia. Identifiers: Orphanet 3286, MedGen C5574922, MONDO:0017990.

gnomAD v4.1: 2 of 1,555,190 alleles (0.00013%); highest among the groups gnomAD compares: Non-Finnish European, 0.00017%; no homozygotes.

Submission:

All of Us Research Program, National Institutes of Health
Classification: Uncertain significance for Catecholaminergic polymorphic ventricular tachycardia. Last evaluated: 2024-09-23. Review status: criteria provided, single submitter. Criteria: ACMG Guidelines, 2015. Collection method: clinical testing. Allele origin: germline. Inheritance: Autosomal dominant inheritance. Observed: 1 variant allele, 1 heterozygote.
Comment: This study involves interpretation of variants in research participants for the purpose of population health screening. Participant phenotype was not available at the time of variant classification. Additional details can be found in publication PMID: 35346344, PMCID: PMC8962531

NM_001035.3(RYR2):c.11602G>A (p.Val3868Ile)

Gene: RYR2 (ryanodine receptor 2; plus strand). Cytogenetic location: 1q43.
Variant type: single nucleotide variant.
Coding change: c.11602G>A on transcript NM_001035.3 (MANE Select); coding-DNA position 11602, G replaced by A.
Protein change: p.Val3868Ile; replaces valine 3868 with isoleucine.
Molecular consequence: missense variant.
Genome position (GRCh38, 1-based): chr1:237,772,056, G>A. VCF-style: chr1-237772056-G-A. GRCh37 (hg19) VCF-style: chr1-237935356-G-A.
Other names: short protein forms V3868I.
Identifiers: ClinVar variation 3385843 (VCV003385843.1).